The following is an entry in ClinVar:

ClinVar aggregate classification (germline): Uncertain significance. Review status: criteria provided, multiple submitters, no conflicts (2 of 4 stars). 2 submissions from 2 submitters: Uncertain significance (2). Last evaluated 2026-02-09.

Conditions:
Gorlin syndrome. Also called: Nevoid Basal Cell Carcinoma Syndrome; Basal cell nevus syndrome. Identifiers: Orphanet 377, MedGen C0004779, MONDO:0007187.
Medulloblastoma (MDB). Also called: MEDULLOBLASTOMA PREDISPOSITION SYNDROME; Medulloblastoma, somatic. Identifiers: Orphanet 616, MedGen C0025149, MeSH D008527, MONDO:0007959, OMIM 155255, HP:0002885.
Hereditary cancer-predisposing syndrome. Also called: Tumor predisposition; Neoplastic Syndromes, Hereditary; Hereditary Cancer Syndrome; Hereditary neoplastic syndrome. Identifiers: Orphanet 140162, MedGen C0027672, MeSH D009386, MONDO:0015356.

Submissions (2):

Ambry Genetics
Classification: Uncertain significance for Hereditary cancer-predisposing syndrome. Last evaluated: 2026-02-09. Review status: criteria provided, single submitter. Criteria: Ambry Variant Classification Scheme 2023. Collection method: clinical testing. Allele origin: germline.
Comment: The p.I259V variant (also known as c.775A>G), located in coding exon 7 of the SUFU gene, results from an A to G substitution at nucleotide position 775. The isoleucine at codon 259 is replaced by valine, an amino acid with highly similar properties. This amino acid position is highly conserved in available vertebrate species. In addition, this alteration is predicted to be tolerated by in silico analysis. Based on the available evidence, the clinical significance of this variant remains unclear.

Labcorp Genetics (formerly Invitae), Labcorp
Classification: Uncertain significance for Gorlin syndrome; Medulloblastoma. Last evaluated: 2023-11-15. Review status: criteria provided, single submitter. Criteria: Invitae Variant Classification Sherloc (09022015). Collection method: clinical testing. Allele origin: germline.
Comment: This sequence change replaces isoleucine, which is neutral and non-polar, with valine, which is neutral and non-polar, at codon 259 of the SUFU protein (p.Ile259Val). This variant is not present in population databases (gnomAD no frequency). This variant has not been reported in the literature in individuals affected with SUFU-related conditions. Advanced modeling of protein sequence and biophysical properties (such as structural, functional, and spatial information, amino acid conservation, physicochemical variation, residue mobility, and thermodynamic stability) performed at Invitae indicates that this missense variant is not expected to disrupt SUFU protein function with a negative predictive value of 80%. In summary, the available evidence is currently insufficient to determine the role of this variant in disease. Therefore, it has been classified as a Variant of Uncertain Significance.

NM_016169.4(SUFU):c.775A>G (p.Ile259Val)

Gene: SUFU (SUFU negative regulator of hedgehog signaling; plus strand). Cytogenetic location: 10q24.32.
Variant type: single nucleotide variant.
Coding change: c.775A>G on transcript NM_016169.4 (MANE Select); coding-DNA position 775, A replaced by G.
Protein change: p.Ile259Val; replaces isoleucine 259 with valine.
Molecular consequence: missense variant.
Genome position (GRCh38, 1-based): chr10:102,597,158, A>G. VCF-style: chr10-102597158-A-G. GRCh37 (hg19) VCF-style: chr10-104356915-A-G.
Other names: c.775A>G, p.Ile259Val (NM_001178133.2); short protein forms I259V.
Identifiers: ClinVar variation 2948781 (VCV002948781.4), dbSNP rs2545093938, ClinGen allele CA377910313.